The following is an entry in ClinVar:

NM_004380.3(CREBBP):c.3068del (p.Glu1023fs)

Gene: CREBBP (CREB binding lysine acetyltransferase; minus strand). Cytogenetic location: 16p13.3.
Variant type: Deletion.
Coding change: c.3068del on transcript NM_004380.3 (MANE Select); coding-DNA position 3068, one base deleted (A; older notation c.3068delA).
Protein change: p.Glu1023fs; shifts the reading frame from glutamic acid 1023.
Molecular consequence: frameshift variant.
Genome position (GRCh38, 1-based): chr16:3,767,902, T deleted on the plus strand (A on the coding strand, the reverse complement: CREBBP is on the minus strand). VCF-style (leftmost placement, unchanged base first): chr16-3767901-CT-C. GRCh37 (hg19) VCF-style: chr16-3817902-CT-C.
Other names: c.3068delA (NM_004380.3); c.2954del, p.Glu985fs (NM_001079846.1); short protein forms E1023fs, E985fs.
Identifiers: ClinVar variation 2664784 (VCV002664784.1), dbSNP rs2548407956, ClinGen allele CA2573335147.
Genomic context (GRCh38, chr16:3,767,901, plus strand): 5'-TGATTTCTGCTCTGCTATGTCTGTTTCTTCTTTAACTTGGGAAGCTCCTTGCAAATCCTC[CT>C]CCATCATCTTGAGAAAAACATTACAGATAACATATGAATATCAAACACCTTTATGTTACC-3'

ClinVar aggregate classification (germline): Pathogenic (1 of 4 stars; one submission).

Conditions:
Rubinstein-Taybi syndrome due to CREBBP mutations (RSTS1). Also called: RUBINSTEIN-TAYBI SYNDROME 1, INCOMPLETE; RUBINSTEIN SYNDROME; BROAD THUMBS AND GREAT TOES, CHARACTERISTIC FACIES, AND IMPAIRED INTELLECTUAL DEVELOPMENT; BROAD THUMB-HALLUX SYNDROME; Rubinstein-Taybi syndrome 1; CREBBP-Related Rubinstein-Taybi Syndrome. Identifiers: Orphanet 353277, Orphanet 783, MedGen C4551859, MONDO:0008393, OMIM 180849.

Submission:

Genetics and Molecular Pathology, SA Pathology
Classification: Pathogenic for Rubinstein-Taybi syndrome due to CREBBP mutations. Last evaluated: 2023-03-23. Review status: criteria provided, single submitter. Criteria: ACMG Guidelines, 2015. Collection method: clinical testing. Allele origin: germline. Inheritance: Autosomal dominant inheritance. Affected: yes.
Comment: The CREBBP c.3068del variant is classified as a PATHOGENIC variant (PVS1, PS2, PM2) The variant is a 1-base pair deletion in exon 16/31 of the CREBBP gene which results in a framshift starting with codon Glutamic acid 1023, changes this amino acid to a Glycine residue, and creates a premature STOP codon at position 16 downstream, denoted p.E1023GfsX16 (PVS1). The vairnat has not been reported in dbSNP and is absent from population databases (PM2). The variant has not been reported in ClinVar or HGMD disease databases.